The following is an entry in ClinVar:

NM_000143.4(FH):c.268-12G>A

Gene: FH (fumarate hydratase; minus strand). Cytogenetic location: 1q43.
Variant type: single nucleotide variant.
Coding change: c.268-12G>A on transcript NM_000143.4 (MANE Select); 12 bases into the intron before coding-DNA position 268, G replaced by A.
Molecular consequence: intron variant.
Genome position (GRCh38, 1-based): chr1:241,513,725, C>T on the plus strand (G>A on the coding strand, the complement: FH is on the minus strand). VCF-style: chr1-241513725-C-T. GRCh37 (hg19) VCF-style: chr1-241677025-C-T.
Identifiers: ClinVar variation 3773057 (VCV003773057.1).

ClinVar aggregate classification (germline): Likely benign (1 of 4 stars; one submission).

Conditions:
Hereditary leiomyomatosis and renal cell cancer. Also called: MULTIPLE CUTANEOUS AND UTERINE LEIOMYOMATA 1, WITH OR WITHOUT RENAL CELL CARCINOMA; LEIOMYOMA, MULTIPLE CUTANEOUS; FH tumor predisposition syndrome; Reed syndrome; Multiple cutaneous and uterine leiomyomatosis; Cutaneous leiomyomata with uterine leiomyomata. Identifiers: Orphanet 523, MedGen C1708350, MONDO:0007888, OMIM 150800, HP:0007437. Disease mechanism: loss of function.

Submission:

Myriad Genetics, Inc.
Classification: Likely benign for Hereditary leiomyomatosis and renal cell cancer. Last evaluated: 2024-10-17. Review status: criteria provided, single submitter. Criteria: Myriad Autosomal Dominant, Autosomal Recessive and X-Linked Classification Criteria (2023). Collection method: clinical testing. Allele origin: unknown.
Comment: This variant is considered likely benign. This variant is intronic and is not expected to impact mRNA splicing.